The following is an entry in ClinVar:

ClinVar aggregate classification (germline): Uncertain significance. Review status: criteria provided, multiple submitters, no conflicts (2 of 4 stars). 2 submissions from 2 submitters: Uncertain significance (2). Last evaluated 2025-09-02.

Conditions:
Gorlin syndrome. Also called: Nevoid Basal Cell Carcinoma Syndrome; Basal cell nevus syndrome. Identifiers: Orphanet 377, MedGen C0004779, MONDO:0007187.
Hereditary cancer-predisposing syndrome. Also called: Neoplastic Syndromes, Hereditary; Tumor predisposition; Hereditary Cancer Syndrome; Hereditary neoplastic syndrome. Identifiers: Orphanet 140162, MedGen C0027672, MeSH D009386, MONDO:0015356.

Allele frequency attached by ClinVar (database versions not stated): gnomAD exomes below 0.00001; TOPMed below 0.00001; gnomAD 0.00001.

Submissions (2):

Labcorp Genetics (formerly Invitae), Labcorp
Classification: Uncertain significance for Gorlin syndrome. Last evaluated: 2025-09-02. Review status: criteria provided, single submitter. Criteria: Invitae Variant Classification Sherloc (09022015). Collection method: clinical testing. Allele origin: germline.
Comment: This sequence change replaces alanine, which is neutral and non-polar, with valine, which is neutral and non-polar, at codon 1157 of the PTCH1 protein (p.Ala1157Val). This variant is not present in population databases (gnomAD no frequency). This variant has not been reported in the literature in individuals affected with PTCH1-related conditions. ClinVar contains an entry for this variant (Variation ID: 1731734). Invitae Evidence Modeling of protein sequence and biophysical properties (such as structural, functional, and spatial information, amino acid conservation, physicochemical variation, residue mobility, and thermodynamic stability) indicates that this missense variant is not expected to disrupt PTCH1 protein function with a negative predictive value of 95%. In summary, the available evidence is currently insufficient to determine the role of this variant in disease. Therefore, it has been classified as a Variant of Uncertain Significance.

Ambry Genetics
Classification: Uncertain significance for Hereditary cancer-predisposing syndrome. Last evaluated: 2024-12-17. Review status: criteria provided, single submitter. Criteria: Ambry Variant Classification Scheme 2023. Collection method: clinical testing. Allele origin: germline.
Comment: The p.A1157V variant (also known as c.3470C>T), located in coding exon 21 of the PTCH1 gene, results from a C to T substitution at nucleotide position 3470. The alanine at codon 1157 is replaced by valine, an amino acid with similar properties. This amino acid position is well conserved in available vertebrate species. In addition, this alteration is predicted to be deleterious by in silico analysis. Based on the available evidence, the clinical significance of this variant remains unclear.

NM_000264.5(PTCH1):c.3470C>T (p.Ala1157Val)

Gene: PTCH1 (patched 1; minus strand). Cytogenetic location: 9q22.32.
Variant type: single nucleotide variant.
Coding change: c.3470C>T on transcript NM_000264.5 (MANE Select); coding-DNA position 3470, C replaced by T.
Protein change: p.Ala1157Val; replaces alanine 1157 with valine.
Molecular consequence: missense variant. On other transcripts: non-coding transcript variant (1).
Genome position (GRCh38, 1-based): chr9:95,449,920, G>A on the plus strand (C>T on the coding strand, the complement: PTCH1 is on the minus strand). VCF-style: chr9-95449920-G-A. GRCh37 (hg19) VCF-style: chr9-98212202-G-A.
Other names: c.3272C>T, p.Ala1091Val (NM_001083602.3); c.3467C>T, p.Ala1156Val (NM_001083603.3); c.3017C>T, p.Ala1006Val (NM_001083604.3, NM_001083605.3, NM_001083606.3 and 1 more transcripts); c.3314C>T, p.Ala1105Val (NM_001354918.2); short protein forms A1156V, A1157V, A1006V, A1091V, A1105V.
Identifiers: ClinVar variation 1731734 (VCV001731734.5), dbSNP rs1838314809, ClinGen allele CA374111589.